The following is an entry in ClinVar:

ClinVar aggregate classification (germline): Uncertain significance (1 of 4 stars; one submission).

Submission:

Labcorp Genetics (formerly Invitae), Labcorp
Classification: Uncertain significance. Last evaluated: 2021-03-05. Review status: criteria provided, single submitter. Criteria: Invitae Variant Classification Sherloc (09022015). Collection method: clinical testing. Allele origin: germline.
Comment: This variant is not present in population databases (ExAC no frequency). This variant has not been reported in the literature in individuals with COL2A1-related conditions. Algorithms developed to predict the effect of missense changes on protein structure and function are either unavailable or do not agree on the potential impact of this missense change (SIFT: "Deleterious"; PolyPhen-2: "Benign"; Align-GVGD: "Class C65"). In summary, the available evidence is currently insufficient to determine the role of this variant in disease. Therefore, it has been classified as a Variant of Uncertain Significance. This sequence change replaces arginine with glycine at codon 707 of the COL2A1 protein (p.Arg707Gly). The arginine residue is highly conserved and there is a moderate physicochemical difference between arginine and glycine.

NM_001844.5(COL2A1):c.2119C>G (p.Arg707Gly)

Gene: COL2A1 (collagen type II alpha 1 chain; minus strand). Cytogenetic location: 12q13.11.
Variant type: single nucleotide variant.
Coding change: c.2119C>G on transcript NM_001844.5 (MANE Select); coding-DNA position 2119, C replaced by G.
Protein change: p.Arg707Gly; replaces arginine 707 with glycine.
Molecular consequence: missense variant.
Genome position (GRCh38, 1-based): chr12:47,982,922, G>C on the plus strand (C>G on the coding strand, the complement: COL2A1 is on the minus strand). VCF-style: chr12-47982922-G-C. GRCh37 (hg19) VCF-style: chr12-48376705-G-C.
Other names: c.1912C>G, p.Arg638Gly (NM_033150.3); short protein forms R638G, R707G.
Identifiers: ClinVar variation 1025956 (VCV001025956.9), dbSNP rs1409377649, ClinGen allele CA384547143.